The following is an entry in ClinVar:

NM_139242.4(MTFMT):c.8T>A (p.Val3Glu)

Genes: MTFMT (mitochondrial methionyl-tRNA formyltransferase; minus strand), LOC130057309 (ATAC-STARR-seq lymphoblastoid silent region 6550; plus strand). Cytogenetic location: 15q22.31.
Variant type: single nucleotide variant.
Coding change: c.8T>A on transcript NM_139242.4 (MANE Select); coding-DNA position 8, T replaced by A.
Protein change: p.Val3Glu; replaces valine 3 with glutamic acid.
Molecular consequence: missense variant.
Genome position (GRCh38, 1-based): chr15:65,029,606, A>T on the plus strand (T>A on the coding strand, the complement: MTFMT is on the minus strand). VCF-style: chr15-65029606-A-T. GRCh37 (hg19) VCF-style: chr15-65321944-A-T.
Other names: short protein forms V3E.
Identifiers: ClinVar variation 4860443 (VCV004860443.1).
Genomic context (GRCh38, chr15:65,029,606, plus strand): 5'-CTCGGCCTCCCACGCCTGGCGCCATGAGCCAGCGGAGGACCCCAACAGCGCCGCACCAAC[A>T]CCCTCATCGCCTCGGCCGCCGGCGGCCGGCCCTGCGCAGGCGCATCGGGGCGGGGACAAG-3'
Protein context (NP_640335.2, residues 1-13): MR[Val3Glu]LVRRCWGPPL

ClinVar aggregate classification (germline): Uncertain significance (1 of 4 stars; one submission).

Conditions:
Inborn genetic diseases. Identifiers: MedGen C0950123, MeSH D030342.

gnomAD v4.1: 14 of 1,244,062 alleles (0.0011%); highest among the groups gnomAD compares: Non-Finnish European, 0.0014%; no homozygotes.

Submission:

Ambry Genetics
Classification: Uncertain significance for Inborn genetic diseases. Last evaluated: 2026-03-31. Review status: criteria provided, single submitter. Criteria: Ambry Variant Classification Scheme 2023. Collection method: clinical testing. Allele origin: germline.
Comment: The c.8T>A (p.V3E) alteration is located in exon 1 (coding exon 1) of the MTFMT gene. This alteration results from a T to A substitution at nucleotide position 8, causing the valine (V) at amino acid position 3 to be replaced by a glutamic acid (E). Based on data from gnomAD, the A allele has an overall frequency of 0.002% (2/86178) total alleles studied. The highest observed frequency was 0.006% (2/35452) of European (non-Finnish) alleles. Based on insufficient or conflicting evidence, the clinical significance of this alteration remains unclear.